The following is an entry in ClinVar:

ClinVar aggregate classification (germline): Uncertain significance (1 of 4 stars; one submission).

Conditions:
Inborn genetic diseases. Identifiers: MedGen C0950123, MeSH D030342.

gnomAD v4.1: 1 of 1,612,982 alleles (0.000062%); highest among the groups gnomAD compares: Admixed American, 0.0017%; no homozygotes.

Submission:

Ambry Genetics
Classification: Uncertain significance for Inborn genetic diseases. Last evaluated: 2026-03-10. Review status: criteria provided, single submitter. Criteria: Ambry Variant Classification Scheme 2023. Collection method: clinical testing. Allele origin: germline.
Comment: The p.R597K variant (also known as c.1790G>A), located in coding exon 17 of the ANKRD26 gene, results from a G to A substitution at nucleotide position 1790. The arginine at codon 597 is replaced by lysine, an amino acid with highly similar properties. This amino acid position is conserved. In addition, this alteration is predicted to be tolerated by in silico analysis. Based on the available evidence, the clinical significance of this variant remains unclear.

NM_014915.3(ANKRD26):c.1790G>A (p.Arg597Lys)

Gene: ANKRD26 (ankyrin repeat domain 26; minus strand). Cytogenetic location: 10p12.1.
Variant type: single nucleotide variant.
Coding change: c.1790G>A on transcript NM_014915.3 (MANE Select); coding-DNA position 1790, G replaced by A.
Protein change: p.Arg597Lys; replaces arginine 597 with lysine.
Molecular consequence: missense variant.
Genome position (GRCh38, 1-based): chr10:27,048,825, C>T on the plus strand (G>A on the coding strand, the complement: ANKRD26 is on the minus strand). VCF-style: chr10-27048825-C-T. GRCh37 (hg19) VCF-style: chr10-27337754-C-T.
Other names: c.1790G>A, p.Arg597Lys (NM_001256053.2); short protein forms R597K.
Identifiers: ClinVar variation 4826423 (VCV004826423.1).